The following is an entry in ClinVar:

NM_172201.2(KCNE2):c.44T>C (p.Phe15Ser)

Genes: KCNE2 (potassium voltage-gated channel subfamily E regulatory subunit 2; plus strand), LOC105372791 (uncharacterized LOC105372791; minus strand). Cytogenetic location: 21q22.11.
Variant type: single nucleotide variant.
Coding change: c.44T>C on transcript NM_172201.2 (MANE Select); coding-DNA position 44, T replaced by C.
Protein change: p.Phe15Ser; replaces phenylalanine 15 with serine.
Molecular consequence: missense variant. On other transcripts: non-coding transcript variant (2).
Genome position (GRCh38, 1-based): chr21:34,370,522, T>C. VCF-style: chr21-34370522-T-C. GRCh37 (hg19) VCF-style: chr21-35742821-T-C.
Other names: short protein forms F15S.
Identifiers: ClinVar variation 5022959 (VCV005022959.1).

ClinVar aggregate classification (germline): Uncertain significance (1 of 4 stars; one submission).

Conditions:
Cardiovascular phenotype. Identifiers: MedGen CN230736.

gnomAD v4.1: 4 of 1,614,078 alleles (0.00025%); highest among the groups gnomAD compares: African/African-American, 0.004%; no homozygotes.

Submission:

Ambry Genetics
Classification: Uncertain significance for Cardiovascular phenotype. Last evaluated: 2026-08-29. Review status: criteria provided, single submitter. Criteria: Ambry Variant Classification Scheme 2023. Collection method: clinical testing. Allele origin: germline.
Comment: The p.F15S variant (also known as c.44T>C), located in coding exon 1 of the KCNE2 gene, results from a T to C substitution at nucleotide position 44. The phenylalanine at codon 15 is replaced by serine, an amino acid with highly dissimilar properties. This amino acid position is conserved. In addition, this alteration is predicted to be deleterious by in silico analysis. Based on the available evidence, the clinical significance of this variant remains unclear.